The following is an entry in ClinVar:

NM_004360.5(CDH1):c.927T>C (p.Pro309=)

Gene: CDH1 (cadherin 1; plus strand). Cytogenetic location: 16q22.1.
Variant type: single nucleotide variant.
Coding change: c.927T>C on transcript NM_004360.5 (MANE Select); coding-DNA position 927, T replaced by C.
Protein change: p.Pro309=; no amino-acid change (proline 309 retained).
Molecular consequence: synonymous variant. On other transcripts: 5 prime UTR variant (2).
Genome position (GRCh38, 1-based): chr16:68,811,778, T>C. VCF-style: chr16-68811778-T-C. GRCh37 (hg19) VCF-style: chr16-68845681-T-C.
Other names: c.927T>C, p.Pro309= (NM_001317184.2); c.-689T>C (NM_001317185.2); c.-893T>C (NM_001317186.2).
Identifiers: ClinVar variation 1090811 (VCV001090811.10), dbSNP rs1597894149, ClinGen allele CA496152903.

ClinVar aggregate classification (germline): Benign/Likely benign. Review status: criteria provided, multiple submitters, no conflicts (2 of 4 stars). 2 submissions from 2 submitters: Benign (1); Likely benign (1). Last evaluated 2024-09-17.

Conditions:
Hereditary diffuse gastric adenocarcinoma (HDGC). Also called: DIFFUSE GASTRIC AND LOBULAR BREAST CANCER SYNDROME. Identifiers: Orphanet 26106, MedGen C1708349, MONDO:0007648, OMIM 137215.

Submissions (2):

Myriad Genetics, Inc.
Classification: Benign for Hereditary diffuse gastric adenocarcinoma. Last evaluated: 2024-09-17. Review status: criteria provided, single submitter. Criteria: Myriad Autosomal Dominant, Autosomal Recessive and X-Linked Classification Criteria (2023). Collection method: clinical testing. Allele origin: unknown.
Comment: This variant is considered benign. This variant is a silent/synonymous amino acid change and it is not expected to impact splicing.

Labcorp Genetics (formerly Invitae), Labcorp
Classification: Likely benign for Hereditary diffuse gastric adenocarcinoma. Last evaluated: 2020-05-06. Review status: criteria provided, single submitter. Criteria: Invitae Variant Classification Sherloc (09022015). Collection method: clinical testing. Allele origin: germline.